The following is an entry in ClinVar:

ClinVar aggregate classification (germline): Benign. Review status: criteria provided, multiple submitters, no conflicts (2 of 4 stars). 4 submissions from 4 submitters: Benign (3). 1 of the submissions does not count toward it. Last evaluated 2026-02-01.

Conditions:
SPECC1L-related disorder. Also called: SPECC1L-related condition.

Allele frequency attached by ClinVar (database versions not stated): TOPMed 0.00560; gnomAD 0.00722 and 0.00787; 1000 Genomes Project 30x 0.00843; 1000 Genomes Project 0.00938; ESP Exome Variant Server 0.00707.
gnomAD v4.1: 16,840 of 1,614,244 alleles (1%); highest among the groups gnomAD compares: South Asian, 2.3%; 142 homozygotes.

Submissions (4):

Labcorp Genetics (formerly Invitae), Labcorp
Classification: Benign. Last evaluated: 2026-02-01. Review status: criteria provided, single submitter. Criteria: Invitae Variant Classification Sherloc (09022015). Collection method: clinical testing. Allele origin: germline.

Genetic Services Laboratory, University of Chicago
Classification: Benign. Last evaluated: 2021-05-23. Review status: criteria provided, single submitter. Criteria: ACMG Guidelines, 2015. Collection method: clinical testing. Allele origin: germline. Affected: no.

Breakthrough Genomics
Classification: Benign. Review status: criteria provided, single submitter. Criteria: ACMG Guidelines, 2015. Collection method: not provided. Allele origin: germline. Inheritance: Autosomal dominant inheritance. Affected: yes.

PreventionGenetics, part of Exact Sciences
Classification: Benign for SPECC1L-related condition. Last evaluated: 2019-07-15. Review status: no assertion criteria provided. Collection method: clinical testing. Allele origin: germline. Not counted in ClinVar's aggregate classification.
Comment: This variant is classified as benign based on ACMG/AMP sequence variant interpretation guidelines (Richards et al. 2015 PMID: 25741868, with internal and published modifications).

NM_015330.6(SPECC1L):c.600A>T (p.Leu200Phe)

Genes: SPECC1L (sperm antigen with calponin homology and coiled-coil domains 1 like; plus strand), SPECC1L-ADORA2A (SPECC1L-ADORA2A readthrough (NMD candidate); plus strand). Cytogenetic location: 22q11.23.
Variant type: single nucleotide variant.
Coding change: c.600A>T on transcript NM_015330.6 (MANE Select); coding-DNA position 600, A replaced by T.
Protein change: p.Leu200Phe; replaces leucine 200 with phenylalanine.
Molecular consequence: missense variant. On other transcripts: non-coding transcript variant (1).
Genome position (GRCh38, 1-based): chr22:24,321,580, A>T. VCF-style: chr22-24321580-A-T. GRCh37 (hg19) VCF-style: chr22-24717548-A-T.
Other names: c.600A>T, p.Leu200Phe (NM_001145468.4, NM_001254732.3); short protein forms L200F.
Identifiers: ClinVar variation 1335994 (VCV001335994.14), dbSNP rs56112030, ClinGen allele CA10151988.
Genomic context (GRCh38, chr22:24,321,580, plus strand): 5'-TTTGGAGGCCAAAGTGAAGGATCTTCTCACGCTGGCAAAAACCAAAGACGTAGAAATTTT[A>T]CATTTGAGAAATGAACTGCGAGACATGCGTGCCCAGCTGGGCATTAATGAGGATCATTCT-3'
Protein context (NP_056145.5, residues 190-210): TLAKTKDVEI[Leu200Phe]HLRNELRDMR